The following is an entry in ClinVar:

ClinVar aggregate classification (germline): Conflicting classifications of pathogenicity. Review status: criteria provided, conflicting classifications (1 of 4 stars). 12 submissions from 12 submitters: Uncertain significance (1); Benign (2); Likely benign (6). 3 of the submissions do not count toward it. Last evaluated 2026-03-01.

Conditions:
RELN-related disorder. Also called: RELN-related condition.
Familial temporal lobe epilepsy 7. Identifiers: Orphanet 101046, MedGen C4225327, MONDO:0014639, OMIM 616436.
Norman-Roberts syndrome (LIS2). Also called: Lissencephaly 2 (Norman-Roberts type). Identifiers: Orphanet 89844, MedGen C0796089, MONDO:0009760, OMIM 257320.
Inborn genetic diseases. Identifiers: MedGen C0950123, MeSH D030342.
Intellectual disability. Also called: Intellectual developmental disorder; Intellectual functioning disability; intellectual disabilities. Identifiers: MedGen C3714756, MeSH D008607, MONDO:0001071, HP:0001249.

Allele frequency attached by ClinVar (database versions not stated): 1000 Genomes Project 0.00100; gnomAD 0.00232 and 0.00233; ExAC 0.00265; TOPMed 0.00235; gnomAD exomes 0.00248; ESP Exome Variant Server 0.00254; 1000 Genomes Project 30x 0.00094.
gnomAD v4.1: 5,444 of 1,614,192 alleles (0.34%); highest among the groups gnomAD compares: Non-Finnish European, 0.41%; 10 homozygotes.

Submissions (12):

CeGaT Center for Human Genetics Tuebingen
Classification: Likely benign. Last evaluated: 2026-03-01. Review status: criteria provided, single submitter. Criteria: CeGaT Center For Human Genetics Tuebingen Variant Classification Criteria Version 2. Collection method: clinical testing. Allele origin: germline. Affected: yes. Observed: 25 variant alleles.
Comment: RELN: BP4, BS2

Labcorp Genetics (formerly Invitae), Labcorp
Classification: Benign for Familial temporal lobe epilepsy 7; Norman-Roberts syndrome. Last evaluated: 2026-02-02. Review status: criteria provided, single submitter. Criteria: Invitae Variant Classification Sherloc (09022015). Collection method: clinical testing. Allele origin: germline.

Athena Diagnostics
Classification: Benign. Last evaluated: 2025-02-26. Review status: criteria provided, single submitter. Criteria: Athena Diagnostics Criteria. Collection method: clinical testing. Allele origin: unknown.
Comment: The frequency of this variant in the general population is higher than would generally be expected for pathogenic variants in this gene. Computational tools predict this amino acid change may be benign.

Ambry Genetics
Classification: Likely benign for Inborn genetic diseases. Last evaluated: 2024-01-23. Review status: criteria provided, single submitter. Criteria: Ambry Variant Classification Scheme 2023. Collection method: clinical testing. Allele origin: germline.

GeneDx
Classification: Likely benign. Last evaluated: 2020-10-31. Review status: criteria provided, single submitter. Criteria: GeneDx Variant Classification Process June 2021. Collection method: clinical testing. Allele origin: germline. Affected: yes.

Cambridge Genomics Laboratory, East Genomic Laboratory Hub, NHS Genomic Medicine Service
Classification: Likely benign for Intellectual disability. Last evaluated: 2019-09-03. Review status: criteria provided, single submitter. Criteria: ACGS Best Practice Guidelines for Variant Classification in Rare Disease 2020. Collection method: clinical testing. Allele origin: germline. Affected: yes. Observed: 1 variant allele.

Illumina Laboratory Services, Illumina
Classification: Uncertain significance for Norman-Roberts syndrome. Last evaluated: 2017-04-27. Review status: criteria provided, single submitter. Criteria: ICSL Variant Classification Criteria 13 December 2019. Collection method: clinical testing. Allele origin: germline.

Genetic Services Laboratory, University of Chicago
Classification: Likely benign. Last evaluated: 2017-01-27. Review status: criteria provided, single submitter. Criteria: ACMG Guidelines, 2015. Collection method: clinical testing. Allele origin: germline. Affected: no.

Eurofins Ntd Llc (ga)
Classification: Likely benign. Last evaluated: 2014-11-22. Review status: criteria provided, single submitter. Criteria: EGL Classification Definitions 2015. Collection method: clinical testing. Allele origin: germline. Observed: 3 variant alleles, 3 heterozygotes.

PreventionGenetics, part of Exact Sciences
Classification: Likely benign for RELN-related condition. Last evaluated: 2019-02-28. Review status: no assertion criteria provided. Collection method: clinical testing. Allele origin: germline. Not counted in ClinVar's aggregate classification.
Comment: This variant is classified as likely benign based on ACMG/AMP sequence variant interpretation guidelines (Richards et al. 2015 PMID: 25741868, with internal and published modifications).

Clinical Genetics, Academic Medical Center
Classification: Likely benign. Review status: no assertion criteria provided. Collection method: clinical testing. Allele origin: germline. Affected: yes. Study: VKGL Data-share Consensus. Not counted in ClinVar's aggregate classification.

Genome Diagnostics Laboratory, University Medical Center Utrecht
Classification: Likely benign. Review status: no assertion criteria provided. Collection method: clinical testing. Allele origin: germline. Affected: yes. Study: VKGL Data-share Consensus. Not counted in ClinVar's aggregate classification.

NM_005045.4(RELN):c.4408G>A (p.Val1470Ile)

Gene: RELN (reelin; minus strand). Cytogenetic location: 7q22.1.
Variant type: single nucleotide variant.
Coding change: c.4408G>A on transcript NM_005045.4 (MANE Select); coding-DNA position 4408, G replaced by A.
Protein change: p.Val1470Ile; replaces valine 1470 with isoleucine.
Molecular consequence: missense variant.
Genome position (GRCh38, 1-based): chr7:103,574,195, C>T on the plus strand (G>A on the coding strand, the complement: RELN is on the minus strand). VCF-style: chr7-103574195-C-T. GRCh37 (hg19) VCF-style: chr7-103214642-C-T.
Other names: c.4408G>A, p.Val1470Ile (NM_173054.3); short protein forms V1470I.
Identifiers: ClinVar variation 167585 (VCV000167585.64), dbSNP rs143213152, ClinGen allele CA180378.
Genomic context (GRCh38, chr7:103,574,195, plus strand): 5'-TCCCAGGGCCATTGAAGTAGAGAGATTTGCCATCGTTAAGTGTTCCACAGCCAGTTCCAA[C>T]CTGGGCACCTGTTATCTTGTACCACAGAGGGCTGAGCTTCCCCTCAAACCTATCGAACAT-3'
Protein context (NP_005036.2, residues 1460-1480): PLWYKITGAQ[Val1470Ile]GTGCGTLNDG